The following is an entry in ClinVar:

NM_001458.5(FLNC):c.3354_3376del (p.Val1119fs)

Gene: FLNC (filamin C; plus strand). Cytogenetic location: 7q32.1.
Variant type: Deletion.
Coding change: c.3354_3376del on transcript NM_001458.5 (MANE Select); coding-DNA positions 3354 to 3376, 23 bases deleted (TGTCAGCTACCTGCCCACGGAGC).
Protein change: p.Val1119fs; shifts the reading frame from valine 1119.
Molecular consequence: frameshift variant.
Genome position (GRCh38, 1-based): chr7:128,844,819-128,844,841, TGTCAGCTACCTGCCCACGGAGC deleted; deleting any 23 consecutive bases within chr7:128,844,817-128,844,841 gives the same sequence; the c. name uses the placement nearest the transcript's 3' end. VCF-style (leftmost placement, unchanged base first): chr7-128844816-TGCTGTCAGCTACCTGCCCACGGA-T. GRCh37 (hg19) VCF-style: chr7-128484870-TGCTGTCAGCTACCTGCCCACGGA-T.
Other names: c.3354_3376del, p.Val1119fs (NM_001127487.2); short protein forms V1119fs.
Identifiers: ClinVar variation 4681187 (VCV004681187.1).

ClinVar aggregate classification (germline): Likely pathogenic (1 of 4 stars; one submission).

Conditions:
Cardiomyopathy (CMYO). Also called: Cardiomyopathies. Identifiers: Orphanet 167848, MedGen C0878544, MONDO:0004994, HP:0001638. Inheritance: Various modes of inheritance.

Submission:

Clinical Genetics Laboratory, Skane University Hospital Lund
Classification: Likely pathogenic for Cardiomyopathy. Last evaluated: 2026-01-08. Review status: criteria provided, single submitter. Criteria: ACMG Guidelines, 2015. Collection method: clinical testing. Allele origin: germline. Affected: yes.
Comment: ACMG-criteria applied: PM2, PVS1.